The following is an entry in ClinVar:

NM_024818.6(UBA5):c.76C>G (p.Gln26Glu)

Genes: NPHP3-ACAD11 (NPHP3-ACAD11 readthrough (NMD candidate); minus strand), UBA5 (ubiquitin like modifier activating enzyme 5; plus strand). Cytogenetic location: 3q22.1.
Variant type: single nucleotide variant.
Coding change: c.76C>G on transcript NM_024818.6 (MANE Select); coding-DNA position 76, C replaced by G.
Protein change: p.Gln26Glu; replaces glutamine 26 with glutamic acid.
Molecular consequence: missense variant. On other transcripts: 5 prime UTR variant (3), intron variant (1).
Genome position (GRCh38, 1-based): chr3:132,660,613, C>G. VCF-style: chr3-132660613-C-G. GRCh37 (hg19) VCF-style: chr3-132379457-C-G.
Other names: c.-443C>G (NM_001320210.2); c.-409C>G (NM_001321238.2); c.-125C>G (NM_001321239.1); c.-7-5210C>G (NM_198329.4); short protein forms Q26E.
Identifiers: ClinVar variation 1955921 (VCV001955921.2), dbSNP rs1409255069, ClinGen allele CA354572179.

ClinVar aggregate classification (germline): Uncertain significance (1 of 4 stars; one submission).

Allele frequency attached by ClinVar (database versions not stated): TOPMed below 0.00001.

Submission:

Labcorp Genetics (formerly Invitae), Labcorp
Classification: Uncertain significance. Last evaluated: 2022-06-11. Review status: criteria provided, single submitter. Criteria: Invitae Variant Classification Sherloc (09022015). Collection method: clinical testing. Allele origin: germline.
Comment: This sequence change replaces glutamine, which is neutral and polar, with glutamic acid, which is acidic and polar, at codon 26 of the UBA5 protein (p.Gln26Glu). The frequency data for this variant in the population databases is considered unreliable, as metrics indicate poor data quality at this position in the gnomAD database. This variant has not been reported in the literature in individuals affected with UBA5-related conditions. Algorithms developed to predict the effect of missense changes on protein structure and function are either unavailable or do not agree on the potential impact of this missense change (SIFT: "Not Available"; PolyPhen-2: "Benign"; Align-GVGD: "Not Available"). In summary, the available evidence is currently insufficient to determine the role of this variant in disease. Therefore, it has been classified as a Variant of Uncertain Significance.